The following is an entry in ClinVar:

NM_002473.6(MYH9):c.4339G>T (p.Asp1447Tyr)

Gene: MYH9 (myosin heavy chain 9; minus strand). Cytogenetic location: 22q12.3.
Variant type: single nucleotide variant.
Coding change: c.4339G>T on transcript NM_002473.6 (MANE Select); coding-DNA position 4339, G replaced by T.
Protein change: p.Asp1447Tyr; replaces aspartic acid 1447 with tyrosine.
Molecular consequence: missense variant.
Genome position (GRCh38, 1-based): chr22:36,291,991, C>A on the plus strand (G>T on the coding strand, the complement: MYH9 is on the minus strand). VCF-style: chr22-36291991-C-A. GRCh37 (hg19) VCF-style: chr22-36688037-C-A.
Other names: short protein forms D1447Y.
Identifiers: ClinVar variation 2138443 (VCV002138443.4), dbSNP rs2517958029, ClinGen allele CA411381863.

ClinVar aggregate classification (germline): Likely pathogenic (1 of 4 stars; one submission).

Allele frequency attached by ClinVar (database versions not stated): gnomAD exomes below 0.00001.
gnomAD v4.1: 1 of 1,614,166 alleles (0.000062%); highest among the groups gnomAD compares: South Asian, 0.0011%; no homozygotes.

Submission:

Labcorp Genetics (formerly Invitae), Labcorp
Classification: Likely pathogenic. Last evaluated: 2022-10-03. Review status: criteria provided, single submitter. Criteria: Invitae Variant Classification Sherloc (09022015). Collection method: clinical testing. Allele origin: germline.
Comment: This variant disrupts the p.Asp1447 amino acid residue in MYH9. Other variant(s) that disrupt this residue have been observed in individuals with MYH9-related conditions (PMID: 16978745, 18676005, 23123319), which suggests that this may be a clinically significant amino acid residue. In summary, the currently available evidence indicates that the variant is pathogenic, but additional data are needed to prove that conclusively. Therefore, this variant has been classified as Likely Pathogenic. Advanced modeling of protein sequence and biophysical properties (such as structural, functional, and spatial information, amino acid conservation, physicochemical variation, residue mobility, and thermodynamic stability) performed at Invitae indicates that this missense variant is expected to disrupt MYH9 protein function. This missense change has been observed in individual(s) with MYH9-related disease (PMID: 23123319). This variant is not present in population databases (gnomAD no frequency). This sequence change replaces aspartic acid, which is acidic and polar, with tyrosine, which is neutral and polar, at codon 1447 of the MYH9 protein (p.Asp1447Tyr).

Literature cited by the submitters: PubMed 16978745; PubMed 18676005; PubMed 23123319.